The following is an entry in ClinVar:

NM_024426.6(WT1):c.1086C>G (p.His362Gln)

Gene: WT1 (WT1 transcription factor; minus strand). Cytogenetic location: 11p13.
Variant type: single nucleotide variant.
Coding change: c.1086C>G on transcript NM_024426.6 (MANE Select); coding-DNA position 1086, C replaced by G.
Protein change: p.His362Gln; replaces histidine 362 with glutamine.
Molecular consequence: missense variant. On other transcripts: 5 prime UTR variant (1), non-coding transcript variant (1).
Genome position (GRCh38, 1-based): chr11:32,399,975, G>C on the plus strand (C>G on the coding strand, the complement: WT1 is on the minus strand). VCF-style: chr11-32399975-G-C. GRCh37 (hg19) VCF-style: chr11-32421521-G-C.
Other names: c.1035C>G, p.His345Gln (NM_000378.6, NM_001407045.1, NM_001407048.1 and 1 more transcripts); c.435C>G, p.His145Gln (NM_001198551.2); c.384C>G, p.His128Gln (NM_001198552.2); c.-103C>G (NM_001367854.1); c.1080C>G, p.His360Gln (NM_001407044.1); c.1086C>G, p.His362Gln (NM_001407046.1, NM_024424.5); c.963C>G, p.His321Gln (NM_001407047.1); c.912C>G, p.His304Gln (NM_001407050.1); and 2 more; short protein forms H145Q, H362Q, H128Q, H345Q, H360Q, H108Q, H304Q, H340Q.
Identifiers: ClinVar variation 567421 (VCV000567421.12), dbSNP rs1421853816, ClinGen allele CA379960316.

ClinVar aggregate classification (germline): Uncertain significance (1 of 4 stars; one submission).

Conditions:
Wilms tumor 1 (WT1). Also called: Wilms tumor, somatic. Identifiers: Orphanet 654, MedGen CN033288, MONDO:0008679, OMIM 194070.
11p partial monosomy syndrome (WAGR). Also called: WAGR Complex; WAGR syndrome; CHROMOSOME 11p13 DELETION SYNDROME; WAGR Spectrum Disorder. Identifiers: Orphanet 893, MedGen C0206115, MONDO:0008681, OMIM 194072.
Frasier syndrome. Identifiers: Orphanet 347, MedGen C0950122, MeSH D052159, MONDO:0007635, OMIM 136680.
Drash syndrome (DDS). Also called: NEPHROPATHY, WILMS TUMOR, AND GENITAL ANOMALIES; WILMS TUMOR AND PSEUDO- OR TRUE HERMAPHRODITISM. Identifiers: Orphanet 220, MedGen C0950121, MONDO:0008682, OMIM 194080.

Allele frequency attached by ClinVar (database versions not stated): TOPMed below 0.00001.

Submission:

Labcorp Genetics (formerly Invitae), Labcorp
Classification: Uncertain significance for Wilms tumor 1; Drash syndrome; 11p partial monosomy syndrome; Frasier syndrome. Last evaluated: 2019-04-25. Review status: criteria provided, single submitter. Criteria: Invitae Variant Classification Sherloc (09022015). Collection method: clinical testing. Allele origin: germline.
Comment: This variant has not been reported in the literature in individuals with WT1-related disease. This sequence change replaces histidine with glutamine at codon 357 of the WT1 protein (p.His357Gln). The histidine residue is highly conserved and there is a small physicochemical difference between histidine and glutamine. This variant is not present in population databases (ExAC no frequency). Algorithms developed to predict the effect of missense changes on protein structure and function are either unavailable or do not agree on the potential impact of this missense change (SIFT: "Deleterious"; PolyPhen-2: "Probably Damaging"; Align-GVGD: "Class C15"). In summary, the available evidence is currently insufficient to determine the role of this variant in disease. Therefore, it has been classified as a Variant of Uncertain Significance.